The following is an entry in ClinVar:

ClinVar aggregate classification (germline): Pathogenic (1 of 4 stars; one submission).

Conditions:
Gorlin syndrome. Also called: Nevoid Basal Cell Carcinoma Syndrome; Basal cell nevus syndrome. Identifiers: Orphanet 377, MedGen C0004779, MONDO:0007187.

Submission:

Labcorp Genetics (formerly Invitae), Labcorp
Classification: Pathogenic for Gorlin syndrome. Last evaluated: 2016-07-25. Review status: criteria provided, single submitter. Criteria: Invitae Variant Classification Sherloc (09022015). Collection method: clinical testing. Allele origin: germline.
Comment: A gross deletion of the genomic region encompassing the full coding sequence of the PTCH1 gene has been identified. The boundaries of this event are unknown as the deletion extends beyond the assayed region for this gene and therefore may encompass additional genes. Loss-of-function variants in PTCH1 are known to be pathogenic. This particular variant has been reported in the literature in individuals affected with Gorlin syndrome (PMID: 22382802, 17703323). For these reasons, this variant has been classified as Pathogenic.

NC_000009.12:g.(?_95442982)_(95508549_?)del

Genes: PTCH1 (patched 1; minus strand), LOC100507346 (uncharacterized LOC100507346; plus strand), LOC110121043 (VISTA enhancer hs1258; plus strand), LOC130002130 (ATAC-STARR-seq lymphoblastoid silent region 20067; plus strand), LOC130002131 (ATAC-STARR-seq lymphoblastoid silent region 20068; plus strand) and 2 more. Cytogenetic location: 9q22.32.
Variant type: Deletion.
Identifiers: ClinVar variation 417450 (VCV000417450.1).